The following is an entry in ClinVar:

NM_000059.4(BRCA2):c.6236T>C (p.Val2079Ala)

Gene: BRCA2 (BRCA2 DNA repair associated; plus strand). Cytogenetic location: 13q13.1.
Variant type: single nucleotide variant.
Coding change: c.6236T>C on transcript NM_000059.4 (MANE Select); coding-DNA position 6236, T replaced by C.
Protein change: p.Val2079Ala; replaces valine 2079 with alanine.
Molecular consequence: missense variant.
Genome position (GRCh38, 1-based): chr13:32,340,591, T>C. VCF-style: chr13-32340591-T-C. GRCh37 (hg19) VCF-style: chr13-32914728-T-C.
Other names: short protein forms V2079A.
Identifiers: ClinVar variation 948539 (VCV000948539.14), dbSNP rs864622757, ClinGen allele CA387788900.

ClinVar aggregate classification (germline): Conflicting classifications of pathogenicity. Review status: criteria provided, conflicting classifications (1 of 4 stars). 3 submissions from 3 submitters: Uncertain significance (2); Likely benign (1). Last evaluated 2025-04-02.

Conditions:
Hereditary breast ovarian cancer syndrome. Also called: Hereditary breast and/or ovarian cancer syndrome; Hereditary breast and ovarian cancer syndrome; Hereditary breast and ovarian cancer syndrome (HBOC); Breast and ovarian cancer; BRCA1- and BRCA2-Associated Hereditary Breast and Ovarian Cancer; Hereditary breast and ovarian cancer. Identifiers: Orphanet 145, MedGen C0677776, MeSH D061325, MONDO:0003582. Disease mechanism: loss of function.
Hereditary cancer-predisposing syndrome. Also called: Hereditary neoplastic syndrome; Neoplastic Syndromes, Hereditary; Tumor predisposition; Hereditary Cancer Syndrome. Identifiers: Orphanet 140162, MedGen C0027672, MeSH D009386, MONDO:0015356.

Allele frequency attached by ClinVar (database versions not stated): gnomAD 0.00001.
gnomAD v4.1: 1 of 1,608,050 alleles (0.000062%); highest among the groups gnomAD compares: African/African-American, 0.0013%; no homozygotes.

Submissions (3):

Labcorp Genetics (formerly Invitae), Labcorp
Classification: Uncertain significance for Hereditary breast ovarian cancer syndrome. Last evaluated: 2025-04-02. Review status: criteria provided, single submitter. Criteria: Invitae Variant Classification Sherloc (09022015). Collection method: clinical testing. Allele origin: germline.
Comment: This sequence change replaces valine, which is neutral and non-polar, with alanine, which is neutral and non-polar, at codon 2079 of the BRCA2 protein (p.Val2079Ala). This variant is not present in population databases (gnomAD no frequency). This variant has not been reported in the literature in individuals affected with BRCA2-related conditions. ClinVar contains an entry for this variant (Variation ID: 948539). Invitae Evidence Modeling of protein sequence and biophysical properties (such as structural, functional, and spatial information, amino acid conservation, physicochemical variation, residue mobility, and thermodynamic stability) indicates that this missense variant is not expected to disrupt BRCA2 protein function with a negative predictive value of 95%. In summary, the available evidence is currently insufficient to determine the role of this variant in disease. Therefore, it has been classified as a Variant of Uncertain Significance.

Ambry Genetics
Classification: Uncertain significance for Hereditary cancer-predisposing syndrome. Last evaluated: 2024-06-02. Review status: criteria provided, single submitter. Criteria: Ambry Variant Classification Scheme 2023. Collection method: clinical testing. Allele origin: germline.
Comment: The p.V2079A variant (also known as c.6236T>C), located in coding exon 10 of the BRCA2 gene, results from a T to C substitution at nucleotide position 6236. The valine at codon 2079 is replaced by alanine, an amino acid with similar properties. This amino acid position is poorly conserved in available vertebrate species. In addition, the in silico prediction for this alteration is inconclusive. Since supporting evidence is limited at this time, the clinical significance of this alteration remains unclear.

University of Washington Department of Laboratory Medicine, University of Washington
Classification: Likely benign for Hereditary cancer-predisposing syndrome. Last evaluated: 2023-03-23. Review status: criteria provided, single submitter. Criteria: Dines et al. (Genet Med. 2020). Collection method: curation. Allele origin: germline.
Comment: Missense variant in a coldspot region where missense variants are very unlikely to be pathogenic (PMID:31911673).

BRCA2 exon 11 coldspot. Reclassification based on statistical prior probability.